The following is an entry in ClinVar:

NM_005633.4(SOS1):c.3526T>A (p.Leu1176Met)

Gene: SOS1 (SOS Ras/Rac guanine nucleotide exchange factor 1; minus strand). Cytogenetic location: 2p22.1.
Variant type: single nucleotide variant.
Coding change: c.3526T>A on transcript NM_005633.4 (MANE Select); coding-DNA position 3526, T replaced by A.
Protein change: p.Leu1176Met; replaces leucine 1176 with methionine.
Molecular consequence: missense variant.
Genome position (GRCh38, 1-based): chr2:38,986,300, A>T on the plus strand (T>A on the coding strand, the complement: SOS1 is on the minus strand). VCF-style: chr2-38986300-A-T. GRCh37 (hg19) VCF-style: chr2-39213441-A-T.
Other names: c.3505T>A, p.Leu1169Met (NM_001382394.1); c.3481T>A, p.Leu1161Met (NM_001382395.1); short protein forms L1161M, L1169M, L1176M.
Identifiers: ClinVar variation 1732307 (VCV001732307.5), dbSNP rs771115389, ClinGen allele CA1624151.

ClinVar aggregate classification (germline): Uncertain significance. Review status: criteria provided, multiple submitters, no conflicts (2 of 4 stars). 2 submissions from 2 submitters: Uncertain significance (2). Last evaluated 2023-01-08.

Conditions:
RASopathy. Also called: Noonan spectrum disorder; rasopathies. Identifiers: Orphanet 536391, MedGen C5555857, MONDO:0021060.
Cardiovascular phenotype. Identifiers: MedGen CN230736.

Allele frequency attached by ClinVar (database versions not stated): ExAC 0.00001; gnomAD 0.00001.

Submissions (2):

Labcorp Genetics (formerly Invitae), Labcorp
Classification: Uncertain significance for RASopathy. Last evaluated: 2023-01-08. Review status: criteria provided, single submitter. Criteria: Invitae Variant Classification Sherloc (09022015). Collection method: clinical testing. Allele origin: germline.
Comment: ClinVar contains an entry for this variant (Variation ID: 1732307). In summary, the available evidence is currently insufficient to determine the role of this variant in disease. Therefore, it has been classified as a Variant of Uncertain Significance. Algorithms developed to predict the effect of missense changes on protein structure and function (SIFT, PolyPhen-2, Align-GVGD) all suggest that this variant is likely to be tolerated. This variant has not been reported in the literature in individuals affected with SOS1-related conditions. This variant is not present in population databases (gnomAD no frequency). This sequence change replaces leucine, which is neutral and non-polar, with methionine, which is neutral and non-polar, at codon 1176 of the SOS1 protein (p.Leu1176Met).

Ambry Genetics
Classification: Uncertain significance for Cardiovascular phenotype. Last evaluated: 2022-09-26. Review status: criteria provided, single submitter. Criteria: Ambry Variant Classification Scheme 2023. Collection method: clinical testing. Allele origin: germline.
Comment: The p.L1176M variant (also known as c.3526T>A), located in coding exon 23 of the SOS1 gene, results from a T to A substitution at nucleotide position 3526. The leucine at codon 1176 is replaced by methionine, an amino acid with highly similar properties. This amino acid position is conserved. In addition, this alteration is predicted to be tolerated by in silico analysis. Since supporting evidence is limited at this time, the clinical significance of this alteration remains unclear.